The following is an entry in ClinVar:

ClinVar aggregate classification (germline): Conflicting classifications of pathogenicity. Review status: criteria provided, conflicting classifications (1 of 4 stars). 11 submissions from 11 submitters: Uncertain significance (8); Benign (1); Likely benign (1). 1 of the submissions does not count toward it. Last evaluated 2026-02-01.

Conditions:
Hereditary cancer-predisposing syndrome. Also called: Neoplastic Syndromes, Hereditary; Hereditary Cancer Syndrome; Hereditary neoplastic syndrome; Tumor predisposition. Identifiers: Orphanet 140162, MedGen C0027672, MeSH D009386, MONDO:0015356.
Hereditary breast ovarian cancer syndrome. Also called: Hereditary breast and ovarian cancer syndrome; Hereditary breast and/or ovarian cancer syndrome; BRCA1- and BRCA2-Associated Hereditary Breast and Ovarian Cancer; Hereditary breast and ovarian cancer; Breast and ovarian cancer; Hereditary breast and ovarian cancer syndrome (HBOC). Identifiers: Orphanet 145, MedGen C0677776, MeSH D061325, MONDO:0003582. Disease mechanism: loss of function.
Breast-ovarian cancer, familial, susceptibility to, 2 (BROVCA2). Also called: BRCA2 Hereditary Breast and Ovarian Cancer. Identifiers: Orphanet 145, MedGen C2675520, MONDO:0012933, OMIM 612555. Disease mechanism: loss of function.
Malignant tumor of breast. Also called: Malignant breast neoplasm; Cancer breast. Identifiers: MedGen C0006142, MONDO:0007254. Disease mechanism: loss of function.

Submissions (11):

Labcorp Genetics (formerly Invitae), Labcorp
Classification: Uncertain significance for Hereditary breast ovarian cancer syndrome. Last evaluated: 2026-02-01. Review status: criteria provided, single submitter. Criteria: Invitae Variant Classification Sherloc (09022015). Collection method: clinical testing. Allele origin: germline.
Comment: This sequence change replaces valine, which is neutral and non-polar, with isoleucine, which is neutral and non-polar, at codon 1186 of the BRCA2 protein (p.Val1186Ile). This variant is not present in population databases (gnomAD no frequency). This variant has not been reported in the literature in individuals affected with BRCA2-related conditions. ClinVar contains an entry for this variant (Variation ID: 142383). Invitae Evidence Modeling of protein sequence and biophysical properties (such as structural, functional, and spatial information, amino acid conservation, physicochemical variation, residue mobility, and thermodynamic stability) indicates that this missense variant is not expected to disrupt BRCA2 protein function with a negative predictive value of 95%. In summary, the available evidence is currently insufficient to determine the role of this variant in disease. Therefore, it has been classified as a Variant of Uncertain Significance.

Myriad Genetics, Inc.
Classification: Benign for Breast-ovarian cancer, familial, susceptibility to, 2. Last evaluated: 2025-10-29. Review status: criteria provided, single submitter. Criteria: Myriad Autosomal Dominant, Autosomal Recessive and X-Linked Classification Criteria (2023). Collection method: clinical testing. Allele origin: unknown.
Comment: This variant is considered benign. This variant has been observed in trans with a known pathogenic variant in one or more individuals lacking clinical features consistent with gene-specific recessive disease. This variant is strongly associated with less severe personal and family histories of cancer, typical for individuals without pathogenic variants in this gene [PMID: 25085752].

Women's Health and Genetics/Laboratory Corporation of America, LabCorp
Classification: Uncertain significance. Last evaluated: 2025-05-29. Review status: criteria provided, single submitter. Criteria: LabCorp Variant Classification Summary - May 2015. Collection method: clinical testing. Allele origin: germline.
Comment: Variant summary: BRCA2 c.3556G>A (p.Val1186Ile) results in a conservative amino acid change located in the BRCA2 repeat region, between the first and second repeat (IPR002093) of the encoded protein sequence. Algorithms developed to predict the effect of missense changes on protein structure and function all suggest that this variant is likely to be tolerated. The variant was absent in 251046 control chromosomes. The available data on variant occurrences in the general population are insufficient to allow any conclusion about variant significance. To our knowledge, no occurrence of c.3556G>A in individuals affected with Hereditary Breast And Ovarian Cancer Syndrome and no experimental evidence demonstrating its impact on protein function have been reported. ClinVar contains an entry for this variant (Variation ID: 142383). Based on the evidence outlined above, the variant was classified as uncertain significance.

Quest Diagnostics Nichols Institute San Juan Capistrano
Classification: Uncertain significance. Last evaluated: 2025-02-26. Review status: criteria provided, single submitter. Criteria: Quest Diagnostics criteria. Collection method: clinical testing. Allele origin: unknown.
Comment: The BRCA2 c.3556G>A (p.Val1186Ile) variant has been reported in the published literature in individuals with endometrial cancer (PMID: 38282550 (2024)), ovarian cancer (PMID: 34157791 (2021)), and small-cell lung cancer (PMID: 30550363 (2019)). This variant has also been described to be located in a region of the BRCA2 gene that is tolerant to missense sequence changes (PMID: 31911673 (2020)). This variant has not been reported in large, multi-ethnic general populations (Genome Aggregation Database). Analysis of this variant using bioinformatics tools for the prediction of the effect of amino acid changes on protein structure and function yielded predictions that this variant is benign. Based on the available information, we are unable to determine the clinical significance of this variant.

Color Diagnostics, LLC DBA Color Health
Classification: Uncertain significance for Hereditary cancer-predisposing syndrome. Last evaluated: 2024-08-07. Review status: criteria provided, single submitter. Criteria: ACMG Guidelines, 2015. Collection method: clinical testing. Allele origin: germline.
Comment: This missense variant replaces valine with isoleucine at codon 1186 of the BRCA2 protein. Computational prediction suggests that this variant may not impact protein structure and function. To our knowledge, functional studies have not been reported for this variant. This variant has been reported in an individual affected with ovarian cancer (PMID: 34157791). A multifactorial analysis has reported a likelihood ratio for pathogenicity based on personal and family history of 0.886 (based on log(LR) = -0.052446544) (PMID: 31853058). This variant has not been identified in the general population by the Genome Aggregation Database (gnomAD). The available evidence is insufficient to determine the role of this variant in disease conclusively. Therefore, this variant is classified as a Variant of Uncertain Significance.

Ambry Genetics
Classification: Uncertain significance for Hereditary cancer-predisposing syndrome. Last evaluated: 2024-06-17. Review status: criteria provided, single submitter. Criteria: Ambry Variant Classification Scheme 2023. Collection method: clinical testing. Allele origin: germline.
Comment: The p.V1186I variant (also known as c.3556G>A), located in coding exon 10 of the BRCA2 gene, results from a G to A substitution at nucleotide position 3556. The valine at codon 1186 is replaced by isoleucine, an amino acid with highly similar properties. This amino acid position is not well conserved in available vertebrate species. In addition, this alteration is predicted to be tolerated by in silico analysis. Since supporting evidence is limited at this time, the clinical significance of this alteration remains unclear.

All of Us Research Program, National Institutes of Health
Classification: Uncertain significance for Breast-ovarian cancer, familial, susceptibility to, 2. Last evaluated: 2023-05-31. Review status: criteria provided, single submitter. Criteria: ACMG Guidelines, 2015. Collection method: clinical testing. Allele origin: germline. Inheritance: Autosomal dominant inheritance. Observed: 1 variant allele, 1 heterozygote.
Comment: This study involves interpretation of variants in research participants for the purpose of population health screening. Participant phenotype was not available at the time of variant classification. Additional details can be found in publication PMID: 35346344, PMCID: PMC8962531

University of Washington Department of Laboratory Medicine, University of Washington
Classification: Likely benign for Hereditary cancer-predisposing syndrome. Last evaluated: 2023-03-23. Review status: criteria provided, single submitter. Criteria: Dines et al. (Genet Med. 2020). Collection method: curation. Allele origin: germline.
Comment: Missense variant in a coldspot region where missense variants are very unlikely to be pathogenic (PMID:31911673).

BRCA2 exon 11 coldspot. Reclassification based on statistical prior probability.

Sema4
Classification: Uncertain significance for Hereditary cancer-predisposing syndrome. Last evaluated: 2021-06-27. Review status: criteria provided, single submitter. Criteria: Sema4 Curation Guidelines. Collection method: curation. Allele origin: germline.
Comment: The BRCA2 c.3556G>A (p.V1186I) variant has not been reported in the literature to our knowledge. It was not observed in the large and broad cohorts of the Genome Aggregation Database (PMID: 32461654). The variant has been reported in ClinVar (Variation ID 142383). In silico tools suggest the impact of the variant on protein function is inconclusive, though these predictions have not been confirmed by functional studies. The evidence is insufficient to meet ACMG/AMP criteria for classifying the variant as benign or pathogenic. Thus, the clinical significance of this variant is currently uncertain.

ARUP Laboratories, Molecular Genetics and Genomics, ARUP Laboratories
Classification: Uncertain significance. Last evaluated: 2018-09-11. Review status: criteria provided, single submitter. Criteria: ARUP Molecular Germline Variant Investigation Process. Collection method: clinical testing. Allele origin: germline.
Comment: The BRCA2 c.3556G>A; p.Val1186Ile variant (rs587782420), to our knowledge, is not reported in the medical literature but is reported as uncertain significance in ClinVar (Variation ID: 142383). This variant is absent from general population databases (1000 Genomes Project, Exome Variant Server, and Genome Aggregation Database), indicating it is not a common polymorphism. The valine at codon 1186 is weakly conserved, and computational analyses (SIFT, PolyPhen-2) predict that this variant is tolerated. Due to limited information, the clinical significance of the p.Val1186Ile variant is uncertain at this time.

Department of Pathology and Laboratory Medicine, Sinai Health System
Classification: Uncertain significance for Malignant tumor of breast. Review status: no assertion criteria provided. Collection method: clinical testing. Allele origin: unknown. Affected: yes. Study: The Canadian Open Genetics Repository (COGR). Not counted in ClinVar's aggregate classification.
Comment: The p.Val1186Ile variant was not identified in the literature, nor was it identified in the dbSNP, NHLBI Exome Sequencing Project (Exome Variant Server), Exome Aggregation Consortium (ExAC), HGMD, LOVD, COSMIC, GeneInsight VariantWire, BIC or UMD. The variant was identified in the ClinVar database (classified as uncertain significance by Ambry Genetics). The p.Val1186 residue is not conserved in mammals and computational analyses (PolyPhen-2, SIFT, AlignGVGD, BLOSUM, MutationTaster) do not suggest a high likelihood of impact to the protein; however, this information is not predictive enough to rule out pathogenicity. In summary, based on the above information, the clinical significance of this variant cannot be determined with certainty at this time. This variant is classified as a variant of unknown significance.

Literature cited by the submitters: PubMed 25085752 (cited by Myriad Genetics, Inc.); PubMed 30550363 (cited by Quest Diagnostics Nichols Institute San Juan Capistrano); PubMed 38282550 (cited by Quest Diagnostics Nichols Institute San Juan Capistrano); PubMed 31911673 (cited by Quest Diagnostics Nichols Institute San Juan Capistrano); PubMed 34157791 (cited by Quest Diagnostics Nichols Institute San Juan Capistrano and Color Diagnostics, LLC DBA Color Health); PubMed 31853058 (cited by Quest Diagnostics Nichols Institute San Juan Capistrano and Color Diagnostics, LLC DBA Color Health).

NM_000059.4(BRCA2):c.3556G>A (p.Val1186Ile)

Gene: BRCA2 (BRCA2 DNA repair associated; plus strand). Cytogenetic location: 13q13.1.
Variant type: single nucleotide variant.
Coding change: c.3556G>A on transcript NM_000059.4 (MANE Select); coding-DNA position 3556, G replaced by A.
Protein change: p.Val1186Ile; replaces valine 1186 with isoleucine.
Molecular consequence: missense variant.
Genome position (GRCh38, 1-based): chr13:32,337,911, G>A. VCF-style: chr13-32337911-G-A. GRCh37 (hg19) VCF-style: chr13-32912048-G-A.
Other names: short protein forms V1186I.
Identifiers: ClinVar variation 142383 (VCV000142383.37), dbSNP rs587782420, ClinGen allele CA018342.
Genomic context (GRCh38, chr13:32,337,911, plus strand): 5'-GTCATAATGAATGCCCCATCGATTGGTCAGGTAGACAGCAGCAAGCAATTTGAAGGTACA[G>A]TTGAAATTAAACGGAAGTTTGCTGGCCTGTTGAAAAATGACTGTAACAAAAGTGCTTCTG-3'
Protein context (NP_000050.3, residues 1176-1196): VDSSKQFEGT[Val1186Ile]EIKRKFAGLL